The following is an entry in ClinVar:

NM_024642.5(GALNT12):c.938G>A (p.Gly313Glu)

Gene: GALNT12 (polypeptide N-acetylgalactosaminyltransferase 12; plus strand). Cytogenetic location: 9q22.33.
Variant type: single nucleotide variant.
Coding change: c.938G>A on transcript NM_024642.5 (MANE Select); coding-DNA position 938, G replaced by A.
Protein change: p.Gly313Glu; replaces glycine 313 with glutamic acid.
Molecular consequence: missense variant.
Genome position (GRCh38, 1-based): chr9:98,835,269, G>A. VCF-style: chr9-98835269-G-A. GRCh37 (hg19) VCF-style: chr9-101597551-G-A.
Other names: c.938G>A (NM_024642.4); short protein forms G313E.
Identifiers: ClinVar variation 3017686 (VCV003017686.4), dbSNP rs2490527247, ClinGen allele CA374219359.

ClinVar aggregate classification (germline): Uncertain significance. Review status: criteria provided, multiple submitters, no conflicts (2 of 4 stars). 2 submissions from 2 submitters: Uncertain significance (2). Last evaluated 2025-05-04.

Submissions (2):

Ambry Genetics
Classification: Uncertain significance. Last evaluated: 2025-05-04. Review status: criteria provided, single submitter. Criteria: Ambry Variant Classification Scheme 2023. Collection method: clinical testing. Allele origin: germline.
Comment: The p.G313E variant (also known as c.938G>A), located in coding exon 5 of the GALNT12 gene, results from a G to A substitution at nucleotide position 938. The glycine at codon 313 is replaced by glutamic acid, an amino acid with similar properties. This amino acid position is conserved. In addition, this alteration is predicted to be deleterious by in silico analysis. Based on the available evidence, the clinical significance of this variant remains unclear.

Labcorp Genetics (formerly Invitae), Labcorp
Classification: Uncertain significance. Last evaluated: 2023-06-27. Review status: criteria provided, single submitter. Criteria: Invitae Variant Classification Sherloc (09022015). Collection method: clinical testing. Allele origin: germline.
Comment: This sequence change replaces glycine, which is neutral and non-polar, with glutamic acid, which is acidic and polar, at codon 313 of the GALNT12 protein (p.Gly313Glu). In summary, the available evidence is currently insufficient to determine the role of this variant in disease. Therefore, it has been classified as a Variant of Uncertain Significance. Advanced modeling of protein sequence and biophysical properties (such as structural, functional, and spatial information, amino acid conservation, physicochemical variation, residue mobility, and thermodynamic stability) performed at Invitae indicates that this missense variant is not expected to disrupt GALNT12 protein function. This variant has not been reported in the literature in individuals affected with GALNT12-related conditions. This variant is not present in population databases (gnomAD no frequency).